The following is an entry in ClinVar:

ClinVar aggregate classification (germline): Uncertain significance (1 of 4 stars; one submission).

Conditions:
Early-infantile DEE. Also called: Early infantile epileptic encephalopathy; Ohtahara syndrome; Early infantile epileptic encephalopathy with suppression bursts. Identifiers: Orphanet 1934, MedGen C0393706, MONDO:0800491.

Submission:

Labcorp Genetics (formerly Invitae), Labcorp
Classification: Uncertain significance for Early-infantile DEE. Last evaluated: 2024-11-27. Review status: criteria provided, single submitter. Criteria: Invitae Variant Classification Sherloc (09022015). Collection method: clinical testing. Allele origin: germline.
Comment: This sequence change replaces glutamic acid, which is acidic and polar, with lysine, which is basic and polar, at codon 1435 of the SCN8A protein (p.Glu1435Lys). This variant is not present in population databases (gnomAD no frequency). This variant has not been reported in the literature in individuals affected with SCN8A-related conditions. Invitae Evidence Modeling of protein sequence and biophysical properties (such as structural, functional, and spatial information, amino acid conservation, physicochemical variation, residue mobility, and thermodynamic stability) indicates that this missense variant is expected to disrupt SCN8A protein function with a positive predictive value of 95%. In summary, the available evidence is currently insufficient to determine the role of this variant in disease. Therefore, it has been classified as a Variant of Uncertain Significance.

NM_001330260.2(SCN8A):c.4303G>A (p.Glu1435Lys)

Gene: SCN8A (sodium voltage-gated channel alpha subunit 8; plus strand). Cytogenetic location: 12q13.13.
Variant type: single nucleotide variant.
Coding change: c.4303G>A on transcript NM_001330260.2 (MANE Select); coding-DNA position 4303, G replaced by A.
Protein change: p.Glu1435Lys; replaces glutamic acid 1435 with lysine.
Molecular consequence: missense variant.
Genome position (GRCh38, 1-based): chr12:51,789,302, G>A. VCF-style: chr12-51789302-G-A. GRCh37 (hg19) VCF-style: chr12-52183086-G-A.
Other names: c.4180G>A, p.Glu1394Lys (NM_001177984.3, NM_001369788.1); c.4303G>A, p.Glu1435Lys (NM_014191.4); short protein forms E1394K, E1435K.
Identifiers: ClinVar variation 3635204 (VCV003635204.2).